The following is an entry in ClinVar:

ClinVar aggregate classification (germline): Uncertain significance (1 of 4 stars; one submission).

Conditions:
Imerslund-Grasbeck syndrome. Also called: Megaloblastic anemia due to inborn errors of metabolism; Imerslund-Gräsbeck syndrome; ENTEROCYTE COBALAMIN MALABSORPTION; ENTEROCYTE INTRINSIC FACTOR RECEPTOR, DEFECT OF; PERNICIOUS ANEMIA, JUVENILE, DUE TO SELECTIVE INTESTINAL MALABSORPTION OF VITAMIN B12, WITH PROTEINURIA. Identifiers: Orphanet 35858, MedGen C4551825, MONDO:0009853.

Allele frequency attached by ClinVar (database versions not stated): gnomAD exomes below 0.00001.
gnomAD v4.1: 1 of 1,614,192 alleles (0.000062%); highest among the groups gnomAD compares: African/African-American, 0.0013%; no homozygotes.

Submission:

Labcorp Genetics (formerly Invitae), Labcorp
Classification: Uncertain significance for Imerslund-Grasbeck syndrome. Last evaluated: 2022-08-16. Review status: criteria provided, single submitter. Criteria: Invitae Variant Classification Sherloc (09022015). Collection method: clinical testing. Allele origin: germline.
Comment: This variant has not been reported in the literature in individuals affected with CUBN-related conditions. This sequence change replaces lysine, which is basic and polar, with arginine, which is basic and polar, at codon 1365 of the CUBN protein (p.Lys1365Arg). This variant is not present in population databases (gnomAD no frequency). ClinVar contains an entry for this variant (Variation ID: 1412714). Algorithms developed to predict the effect of missense changes on protein structure and function output the following: SIFT: "Tolerated"; PolyPhen-2: "Benign"; Align-GVGD: "Class C0". The arginine amino acid residue is found in multiple mammalian species, which suggests that this missense change does not adversely affect protein function. In summary, the available evidence is currently insufficient to determine the role of this variant in disease. Therefore, it has been classified as a Variant of Uncertain Significance.

NM_001081.4(CUBN):c.4094A>G (p.Lys1365Arg)

Gene: CUBN (cubilin; minus strand). Cytogenetic location: 10p13.
Variant type: single nucleotide variant.
Coding change: c.4094A>G on transcript NM_001081.4 (MANE Select); coding-DNA position 4094, A replaced by G.
Protein change: p.Lys1365Arg; replaces lysine 1365 with arginine.
Molecular consequence: missense variant.
Genome position (GRCh38, 1-based): chr10:17,019,907, T>C on the plus strand (A>G on the coding strand, the complement: CUBN is on the minus strand). VCF-style: chr10-17019907-T-C. GRCh37 (hg19) VCF-style: chr10-17061906-T-C.
Other names: short protein forms K1365R.
Identifiers: ClinVar variation 1412714 (VCV001412714.6), dbSNP rs2131782772, ClinGen allele CA376142306.